The following is an entry in ClinVar:

ClinVar aggregate classification (germline): Uncertain significance (0 of 4 stars; one submission).

Conditions:
Prostate cancer. Also called: Malignant tumor of prostate. Identifiers: Orphanet 1331, MedGen C0376358, MONDO:0008315, HP:0012125.

Allele frequency attached by ClinVar (database versions not stated): gnomAD exomes below 0.00001.
gnomAD v4.1: 2 of 1,614,174 alleles (0.00012%); highest among the groups gnomAD compares: East Asian, 0.0045%; no homozygotes.

Submission:

Science for Life laboratory,  Karolinska Institutet
Classification: Uncertain significance for Malignant tumor of prostate. Review status: no assertion criteria provided. Collection method: not provided. Allele origin: somatic.
Comment: TumorID:SWE-2
ClinVar note: Converted during submission from Unknown to Uncertain significance.

NM_001009925.2(TMEM230):c.152T>C (p.Val51Ala)

Gene: TMEM230 (transmembrane protein 230; minus strand). Cytogenetic location: 20p12.3.
Variant type: single nucleotide variant.
Coding change: c.152T>C on transcript NM_001009925.2 (MANE Select); coding-DNA position 152, T replaced by C.
Protein change: p.Val51Ala; replaces valine 51 with alanine.
Molecular consequence: missense variant.
Genome position (GRCh38, 1-based): chr20:5,106,258, A>G on the plus strand (T>C on the coding strand, the complement: TMEM230 is on the minus strand). VCF-style: chr20-5106258-A-G. GRCh37 (hg19) VCF-style: chr20-5086904-A-G.
Other names: c.152T>C, p.Val51Ala (NM_001009924.2, NM_001330984.2, NM_001330985.2 and 4 more transcripts); short protein forms V51A.
Identifiers: ClinVar variation 161490 (VCV000161490.2), dbSNP rs193920937, ClinGen allele CA174128.
Genomic context (GRCh38, chr20:5,106,258, plus strand): 5'-ATGTAGCCTGACAGCAGGAGGGAGCCTATAATAATGAGAAAGGCGCCAATCAAAAACAGC[A>G]CAGTGGCAAGTGCGATGGCCTTATAAGGGATCTTAGGAGGGGTTTTCTTAAACTGGAAGA-3'
Protein context (NP_001009925.1, residues 41-61): IPYKAIALAT[Val51Ala]LFLIGAFLII